The following is an entry in ClinVar:

NM_001171.6(ABCC6):c.2131G>A (p.Val711Met)

Gene: ABCC6 (ATP binding cassette subfamily C member 6; minus strand). Cytogenetic location: 16p13.11.
Variant type: single nucleotide variant.
Coding change: c.2131G>A on transcript NM_001171.6 (MANE Select); coding-DNA position 2131, G replaced by A.
Protein change: p.Val711Met; replaces valine 711 with methionine.
Molecular consequence: missense variant. On other transcripts: non-coding transcript variant (1).
Genome position (GRCh38, 1-based): chr16:16,182,528, C>T on the plus strand (G>A on the coding strand, the complement: ABCC6 is on the minus strand). VCF-style: chr16-16182528-C-T. GRCh37 (hg19) VCF-style: chr16-16276385-C-T.
Other names: c.2131G>A (NM_001171.5); c.1789G>A, p.Val597Met (NM_001351800.1); short protein forms V597M, V711M.
Identifiers: ClinVar variation 1472910 (VCV001472910.9), dbSNP rs200800189, ClinGen allele CA7926003.

ClinVar aggregate classification (germline): Uncertain significance. Review status: criteria provided, multiple submitters, no conflicts (2 of 4 stars). 3 submissions from 3 submitters: Uncertain significance (3). Last evaluated 2025-12-26.

Conditions:
ABCC6-related disorder. Also called: ABCC6-related condition.
Autosomal recessive inherited pseudoxanthoma elasticum (PXE). Identifiers: Orphanet 758, MedGen CN032334, MONDO:0009925, OMIM 264800.
Pseudoxanthoma elasticum, forme fruste. Also called: Pseudoxanthoma Elasticum, Incomplete; PSEUDOXANTHOMA ELASTICUM, HETEROZYGOUS. Identifiers: Orphanet 758, MedGen C1867450, MONDO:0008333, OMIM 177850.
Arterial calcification, generalized, of infancy, 2. Identifiers: Orphanet 51608, MedGen C3276161, MONDO:0013768, OMIM 614473.

Allele frequency attached by ClinVar (database versions not stated): ESP Exome Variant Server 0.00008; 1000 Genomes Project 0.00040; 1000 Genomes Project 30x 0.00047.
gnomAD v4.1: 73 of 1,614,228 alleles (0.0045%); highest among the groups gnomAD compares: Middle Eastern, 0.049%; 2 homozygotes.

Submissions (3):

PreventionGenetics, part of Exact Sciences
Classification: Uncertain significance for ABCC6-related condition. Last evaluated: 2025-12-26. Review status: criteria provided, single submitter. Criteria: ACMG Guidelines, 2015. Collection method: clinical testing. Allele origin: germline.
Comment: The ABCC6 c.2131G>A variant is predicted to result in the amino acid substitution p.Val711Met. To our knowledge, this variant has not been reported in the literature. This variant is reported in 0.026% of alleles in individuals of South Asian descent in gnomAD. Although we suspect that this variant may be benign, at this time, the clinical significance of this variant is uncertain due to the absence of conclusive functional and genetic evidence.

Fulgent Genetics
Classification: Uncertain significance for Pseudoxanthoma elasticum, forme fruste; Autosomal recessive inherited pseudoxanthoma elasticum; Arterial calcification, generalized, of infancy, 2. Last evaluated: 2024-01-05. Review status: criteria provided, single submitter. Criteria: ACMG Guidelines, 2015. Collection method: clinical testing. Allele origin: germline.

Labcorp Genetics (formerly Invitae), Labcorp
Classification: Uncertain significance. Last evaluated: 2022-09-06. Review status: criteria provided, single submitter. Criteria: Invitae Variant Classification Sherloc (09022015). Collection method: clinical testing. Allele origin: germline.
Comment: This sequence change replaces valine, which is neutral and non-polar, with methionine, which is neutral and non-polar, at codon 711 of the ABCC6 protein (p.Val711Met). This variant is present in population databases (rs200800189, gnomAD 0.03%). This variant has not been reported in the literature in individuals affected with ABCC6-related conditions. ClinVar contains an entry for this variant (Variation ID: 1472910). Algorithms developed to predict the effect of missense changes on protein structure and function are either unavailable or do not agree on the potential impact of this missense change (SIFT: "Deleterious"; PolyPhen-2: "Probably Damaging"; Align-GVGD: "Class C0"). In summary, the available evidence is currently insufficient to determine the role of this variant in disease. Therefore, it has been classified as a Variant of Uncertain Significance.